The following is an entry in ClinVar:

NM_015559.3(SETBP1):c.1481T>C (p.Val494Ala)

Gene: SETBP1 (SET binding protein 1; plus strand). Cytogenetic location: 18q12.3.
Variant type: single nucleotide variant.
Coding change: c.1481T>C on transcript NM_015559.3 (MANE Select); coding-DNA position 1481, T replaced by C.
Protein change: p.Val494Ala; replaces valine 494 with alanine.
Molecular consequence: missense variant.
Genome position (GRCh38, 1-based): chr18:44,950,821, T>C. VCF-style: chr18-44950821-T-C. GRCh37 (hg19) VCF-style: chr18-42530786-T-C.
Other names: c.1481T>C, p.Val494Ala (NM_001379141.1, NM_001379142.1, NM_001410862.1); short protein forms V494A.
Identifiers: ClinVar variation 2891747 (VCV002891747.3), dbSNP rs2071328673, ClinGen allele CA402318622.
Genomic context (GRCh38, chr18:44,950,821, plus strand): 5'-AGTCCCCCTCAGTTGGCCTTGAAACTGGTGGAAATGCTGAGAAAGTTATCCCAGGAGGTG[T>C]GTCTAAGCCGCGGAAGCCACCCATGGTCATGACACCTCCAACGTGCACAGATCACTCTCC-3'
Protein context (NP_056374.2, residues 484-504): GNAEKVIPGG[Val494Ala]SKPRKPPMVM

ClinVar aggregate classification (germline): Uncertain significance (1 of 4 stars; one submission).

Allele frequency attached by ClinVar (database versions not stated): gnomAD exomes below 0.00001; TOPMed below 0.00001.

Submission:

Labcorp Genetics (formerly Invitae), Labcorp
Classification: Uncertain significance. Last evaluated: 2024-11-05. Review status: criteria provided, single submitter. Criteria: Invitae Variant Classification Sherloc (09022015). Collection method: clinical testing. Allele origin: germline.
Comment: This sequence change replaces valine, which is neutral and non-polar, with alanine, which is neutral and non-polar, at codon 494 of the SETBP1 protein (p.Val494Ala). This variant is not present in population databases (gnomAD no frequency). This variant has not been reported in the literature in individuals affected with SETBP1-related conditions. ClinVar contains an entry for this variant (Variation ID: 2891747). Invitae Evidence Modeling of protein sequence and biophysical properties (such as structural, functional, and spatial information, amino acid conservation, physicochemical variation, residue mobility, and thermodynamic stability) indicates that this missense variant is not expected to disrupt SETBP1 protein function with a negative predictive value of 80%. In summary, the available evidence is currently insufficient to determine the role of this variant in disease. Therefore, it has been classified as a Variant of Uncertain Significance.